The following is an entry in ClinVar:

ClinVar aggregate classification (germline): Likely benign. Review status: criteria provided, multiple submitters, no conflicts (2 of 4 stars). 2 submissions from 2 submitters: Likely benign (2). Last evaluated 2024-12-31.

Conditions:
NPHP1-related disorder. Also called: NPHP1-related disorders; NPHP1-related condition.
Nephronophthisis. Also called: Juvenile Nephronophthisis. Identifiers: Orphanet 655, MedGen C0687120, MONDO:0019005, HP:0000090.

Submissions (2):

PreventionGenetics, part of Exact Sciences
Classification: Likely benign for NPHP1-related condition. Last evaluated: 2024-12-31. Review status: criteria provided, single submitter. Criteria: ACMG Guidelines, 2015. Collection method: clinical testing. Allele origin: germline.
Comment: This variant is classified as likely benign based on ACMG/AMP sequence variant interpretation guidelines (Richards et al. 2015 PMID: 25741868, with internal and published modifications).

Labcorp Genetics (formerly Invitae), Labcorp
Classification: Likely benign for Nephronophthisis. Last evaluated: 2023-07-14. Review status: criteria provided, single submitter. Criteria: Invitae Variant Classification Sherloc (09022015). Collection method: clinical testing. Allele origin: germline.

NM_001128178.3(NPHP1):c.70-9T>C

Gene: NPHP1 (nephrocystin 1; minus strand). Cytogenetic location: 2q13.
Variant type: single nucleotide variant.
Coding change: c.70-9T>C on transcript NM_001128178.3 (MANE Select); 9 bases into the intron before coding-DNA position 70, T replaced by C.
Molecular consequence: intron variant.
Genome position (GRCh38, 1-based): chr2:110,201,503, A>G on the plus strand (T>C on the coding strand, the complement: NPHP1 is on the minus strand). VCF-style: chr2-110201503-A-G. GRCh37 (hg19) VCF-style: chr2-110959080-A-G.
Other names: c.70-9T>C (NM_000272.3, NM_001128179.3, NM_001374256.1 and 3 more transcripts).
Identifiers: ClinVar variation 2731010 (VCV002731010.4), dbSNP rs2467600315, ClinGen allele CA2577067577.